The following is an entry in ClinVar:

ClinVar aggregate classification (germline): Uncertain significance (1 of 4 stars; one submission).

Conditions:
Hereditary cancer-predisposing syndrome. Also called: Neoplastic Syndromes, Hereditary; Tumor predisposition; Hereditary neoplastic syndrome; Hereditary Cancer Syndrome. Identifiers: Orphanet 140162, MedGen C0027672, MeSH D009386, MONDO:0015356.

Allele frequency attached by ClinVar (database versions not stated): gnomAD exomes below 0.00001.
gnomAD v4.1: 1 of 1,612,710 alleles (0.000062%); highest among the groups gnomAD compares: East Asian, 0.0022%; no homozygotes.

Submission:

Ambry Genetics
Classification: Uncertain significance for Hereditary cancer-predisposing syndrome. Last evaluated: 2023-12-11. Review status: criteria provided, single submitter. Criteria: Ambry Variant Classification Scheme 2023. Collection method: clinical testing. Allele origin: germline.
Comment: The p.S626F variant (also known as c.1877C>T), located in coding exon 16 of the MRE11A gene, results from a C to T substitution at nucleotide position 1877. The serine at codon 626 is replaced by phenylalanine, an amino acid with highly dissimilar properties. This amino acid position is conserved. In addition, this alteration is predicted to be tolerated by in silico analysis. Since supporting evidence is limited at this time, the clinical significance of this alteration remains unclear.

NM_005591.4(MRE11):c.1877C>T (p.Ser626Phe)

Gene: MRE11 (MRE11 double strand break repair nuclease; minus strand). Cytogenetic location: 11q21.
Variant type: single nucleotide variant.
Coding change: c.1877C>T on transcript NM_005591.4 (MANE Select); coding-DNA position 1877, C replaced by T.
Protein change: p.Ser626Phe; replaces serine 626 with phenylalanine.
Molecular consequence: missense variant.
Genome position (GRCh38, 1-based): chr11:94,437,226, G>A on the plus strand (C>T on the coding strand, the complement: MRE11 is on the minus strand). VCF-style: chr11-94437226-G-A. GRCh37 (hg19) VCF-style: chr11-94170392-G-A.
Other names: c.1874C>T, p.Ser625Phe (NM_001330347.2); c.1793C>T, p.Ser598Phe (NM_005590.4); short protein forms S598F, S625F, S626F.
Identifiers: ClinVar variation 3224848 (VCV003224848.1), dbSNP rs1352158854, ClinGen allele CA382374882.
Genomic context (GRCh38, chr11:94,437,226, plus strand): 5'-TTTTTTCTTACCTCTGAATAATTCTTAGTAGTGACATTTCGGGAAGGCTGCTGTCTTGTA[G>A]ATTTAAAGGCTAGAATGAAAAAGATGAAATGTGCATTATGTTATTCTTAAAATAACTTAG-3'
Protein context (NP_005582.1, residues 616-636): RNMSIIDAFK[Ser626Phe]TRQQPSRNVT